The following is an entry in ClinVar:

NM_001282225.2(ADA2):c.1303_1319del (p.His434_Pro435insTer)

Gene: ADA2 (adenosine deaminase 2; minus strand). Cytogenetic location: 22q11.1.
Variant type: Deletion.
Coding change: c.1303_1319del on transcript NM_001282225.2 (MANE Select); coding-DNA positions 1303 to 1319, 17 bases deleted (CCCATGGTGATCAGCTC).
Protein change: p.His434_Pro435insTer.
Molecular consequence: nonsense.
Genome position (GRCh38, 1-based): chr22:17,181,943-17,181,959, GAGCTGATCACCATGGG deleted on the plus strand (CCCATGGTGATCAGCTC on the coding strand, the reverse complement: ADA2 is on the minus strand); deleting any 17 consecutive bases within chr22:17,181,943-17,181,960 gives the same sequence; the c. name uses the placement nearest the transcript's 3' end. VCF-style (leftmost placement, unchanged base first): chr22-17181942-AGAGCTGATCACCATGGG-A. GRCh37 (hg19) VCF-style: chr22-17662832-AGAGCTGATCACCATGGG-A.
Other names: c.1303_1319del17 (NM_001282225.2); c.1303_1319del, p.His434_Pro435insTer (NM_001282226.2); c.1177_1193del, p.His392_Pro393insTer (NM_001282227.2, NM_001282228.2); c.943_959del, p.His314_Pro315insTer (NM_001282229.2); c.580_596del, p.His193_Pro194insTer (NM_177405.3).
Identifiers: ClinVar variation 2892125 (VCV002892125.4), dbSNP rs2517276433, ClinGen allele CA2577637577.

ClinVar aggregate classification (germline): Pathogenic. Review status: criteria provided, multiple submitters, no conflicts (2 of 4 stars). 2 submissions from 2 submitters: Pathogenic (2). Last evaluated 2025-03-26.

Conditions:
Deficiency of adenosine deaminase 2. Also called: Polyarteritis nodosa, childhoood-onset; Adenosine Deaminase 2 Deficiency; VASCULITIS, AUTOINFLAMMATION, IMMUNODEFICIENCY, AND HEMATOLOGIC DEFECTS SYNDROME. Identifiers: Orphanet 404553, MedGen C3887654, MONDO:0014306, OMIM 615688, MONDO:0100317.

Submissions (2):

Women's Health and Genetics/Laboratory Corporation of America, LabCorp
Classification: Pathogenic for Deficiency of adenosine deaminase 2. Last evaluated: 2025-03-26. Review status: criteria provided, single submitter. Criteria: LabCorp Variant Classification Summary - May 2015. Collection method: clinical testing. Allele origin: germline.
Comment: Variant summary: ADA2 c.1303_1319del17 (p.Pro435X) results in a premature termination codon, predicted to cause a truncation of the encoded protein or absence of the protein due to nonsense mediated decay, which are commonly known mechanisms for disease. The variant was absent in 251442 control chromosomes. To our knowledge, no occurrence of c.1303_1319del17 in individuals affected with Vasculitis due to ADA2 deficiency and no experimental evidence demonstrating its impact on protein function have been reported. ClinVar contains an entry for this variant (Variation ID: 2892125). Based on the evidence outlined above, the variant was classified as pathogenic.

Labcorp Genetics (formerly Invitae), Labcorp
Classification: Pathogenic for Deficiency of adenosine deaminase 2. Last evaluated: 2024-07-29. Review status: criteria provided, single submitter. Criteria: Invitae Variant Classification Sherloc (09022015). Collection method: clinical testing. Allele origin: germline.
Comment: This sequence change creates a premature translational stop signal (p.Pro435*) in the ADA2 gene. It is expected to result in an absent or disrupted protein product. Loss-of-function variants in ADA2 are known to be pathogenic (PMID: 24552284, 24552285). This variant is not present in population databases (gnomAD no frequency). This variant has not been reported in the literature in individuals affected with ADA2-related conditions. For these reasons, this variant has been classified as Pathogenic.

Literature cited by the submitters: PubMed 24552284 (cited by Labcorp Genetics (formerly Invitae), Labcorp); PubMed 24552285 (cited by Labcorp Genetics (formerly Invitae), Labcorp).